The following is an entry in ClinVar:

ClinVar aggregate classification (germline): Uncertain significance (1 of 4 stars; one submission).

gnomAD v4.1: 2 of 1,614,010 alleles (0.00012%); highest among the groups gnomAD compares: African/African-American, 0.0027%; no homozygotes.

Submission:

Labcorp Genetics (formerly Invitae), Labcorp
Classification: Uncertain significance. Last evaluated: 2024-04-06. Review status: criteria provided, single submitter. Criteria: Invitae Variant Classification Sherloc (09022015). Collection method: clinical testing. Allele origin: germline.
Comment: This sequence change replaces valine, which is neutral and non-polar, with leucine, which is neutral and non-polar, at codon 1134 of the ERBB4 protein (p.Val1134Leu). This variant is present in population databases (no rsID available, gnomAD 0.008%). This variant has not been reported in the literature in individuals affected with ERBB4-related conditions. An algorithm developed to predict the effect of missense changes on protein structure and function (PolyPhen-2) suggests that this variant is likely to be tolerated. In summary, the available evidence is currently insufficient to determine the role of this variant in disease. Therefore, it has been classified as a Variant of Uncertain Significance.

NM_005235.3(ERBB4):c.3400G>C (p.Val1134Leu)

Gene: ERBB4 (erb-b2 receptor tyrosine kinase 4; minus strand). Cytogenetic location: 2q34.
Variant type: single nucleotide variant.
Coding change: c.3400G>C on transcript NM_005235.3 (MANE Select); coding-DNA position 3400, G replaced by C.
Protein change: p.Val1134Leu; replaces valine 1134 with leucine.
Molecular consequence: missense variant.
Genome position (GRCh38, 1-based): chr2:211,386,934, C>G on the plus strand (G>C on the coding strand, the complement: ERBB4 is on the minus strand). VCF-style: chr2-211386934-C-G. GRCh37 (hg19) VCF-style: chr2-212251659-C-G.
Other names: c.3352G>C, p.Val1118Leu (NM_001042599.2); short protein forms V1134L, V1118L.
Identifiers: ClinVar variation 3713841 (VCV003713841.2).